The following is an entry in ClinVar:

NM_005633.4(SOS1):c.3730C>T (p.His1244Tyr)

Gene: SOS1 (SOS Ras/Rac guanine nucleotide exchange factor 1; minus strand). Cytogenetic location: 2p22.1.
Variant type: single nucleotide variant.
Coding change: c.3730C>T on transcript NM_005633.4 (MANE Select); coding-DNA position 3730, C replaced by T.
Protein change: p.His1244Tyr; replaces histidine 1244 with tyrosine.
Molecular consequence: missense variant.
Genome position (GRCh38, 1-based): chr2:38,986,096, G>A on the plus strand (C>T on the coding strand, the complement: SOS1 is on the minus strand). VCF-style: chr2-38986096-G-A. GRCh37 (hg19) VCF-style: chr2-39213237-G-A.
Other names: c.3709C>T, p.His1237Tyr (NM_001382394.1); c.3685C>T, p.His1229Tyr (NM_001382395.1); short protein forms H1244Y, H1229Y, H1237Y.
Identifiers: ClinVar variation 1734394 (VCV001734394.2), dbSNP rs1305553673, ClinGen allele CA346362433.
Genomic context (GRCh38, chr2:38,986,096, plus strand): 5'-GTGTTTGAGGAGGAGGTGGTGTAAAGGGGGAAGGGCTGTTTGGGAAGAAGGCATTGCCAT[G>A]GTCACTTTTTTTGCCCAAAGGGGGAGGTTGGAGATGTAGTGGTGAGCTTGAGAAAACATC-3'
Protein context (NP_005624.2, residues 1234-1254): QPPPLGKKSD[His1244Tyr]GNAFFPNSPS

ClinVar aggregate classification (germline): Uncertain significance (1 of 4 stars; one submission).

Conditions:
Cardiovascular phenotype. Identifiers: MedGen CN230736.

Submission:

Ambry Genetics
Classification: Uncertain significance for Cardiovascular phenotype. Last evaluated: 2020-01-06. Review status: criteria provided, single submitter. Criteria: Ambry Variant Classification Scheme 2023. Collection method: clinical testing. Allele origin: germline.
Comment: The p.H1244Y variant (also known as c.3730C>T), located in coding exon 23 of the SOS1 gene, results from a C to T substitution at nucleotide position 3730. The histidine at codon 1244 is replaced by tyrosine, an amino acid with similar properties. This amino acid position is well conserved in available vertebrate species; however, tyrosine is the reference amino acid in other vertebrate species. In addition, this alteration is predicted to be tolerated by in silico analysis. Since supporting evidence is limited at this time, the clinical significance of this alteration remains unclear.